The following is an entry in ClinVar:

ClinVar aggregate classification (germline): Uncertain significance (1 of 4 stars; one submission).

Conditions:
PTPN11-related disorder. Also called: PTPN11-Related Disorders.

Allele frequency attached by ClinVar (database versions not stated): gnomAD exomes below 0.00001; ExAC 0.00001.
gnomAD v4.1: 1 of 1,613,946 alleles (0.000062%); highest among the groups gnomAD compares: Non-Finnish European, 0.000085%; no homozygotes.

Submission:

PreventionGenetics, part of Exact Sciences
Classification: Uncertain significance for PTPN11-related condition. Last evaluated: 2022-12-19. Review status: criteria provided, single submitter. Criteria: ACMG Guidelines, 2015. Collection method: clinical testing. Allele origin: germline.
Comment: The PTPN11 c.1643C>G variant is predicted to result in the amino acid substitution p.Ser548Cys. To our knowledge, this variant has not been reported in the literature. This variant is reported in 0.00088% of alleles in individuals of European (Non-Finnish) descent in gnomAD. At this time, the clinical significance of this variant is uncertain due to the absence of conclusive functional and genetic evidence.

NM_002834.5(PTPN11):c.1643C>G (p.Ser548Cys)

Gene: PTPN11 (protein tyrosine phosphatase non-receptor type 11; plus strand). Cytogenetic location: 12q24.13.
Variant type: single nucleotide variant.
Coding change: c.1643C>G on transcript NM_002834.5 (MANE Select); coding-DNA position 1643, C replaced by G.
Protein change: p.Ser548Cys; replaces serine 548 with cysteine.
Molecular consequence: missense variant.
Genome position (GRCh38, 1-based): chr12:112,502,187, C>G. VCF-style: chr12-112502187-C-G. GRCh37 (hg19) VCF-style: chr12-112939991-C-G.
Other names: c.1655C>G, p.Ser552Cys (NM_001330437.2); c.1640C>G, p.Ser547Cys (NM_001374625.1); short protein forms S547C, S548C, S552C.
Identifiers: ClinVar variation 2629954 (VCV002629954.1), dbSNP rs759551230, ClinGen allele CA6798830.